The following is an entry in ClinVar:

NM_000059.4(BRCA2):c.7623T>G (p.Tyr2541Ter)

Gene: BRCA2 (BRCA2 DNA repair associated; plus strand). Cytogenetic location: 13q13.1.
Variant type: single nucleotide variant.
Coding change: c.7623T>G on transcript NM_000059.4 (MANE Select); coding-DNA position 7623, T replaced by G.
Protein change: p.Tyr2541Ter; replaces tyrosine 2541 with a stop codon.
Molecular consequence: nonsense.
Genome position (GRCh38, 1-based): chr13:32,357,747, T>G. VCF-style: chr13-32357747-T-G. GRCh37 (hg19) VCF-style: chr13-32931884-T-G.
Other names: short protein forms Y2541*.
Identifiers: ClinVar variation 1457868 (VCV001457868.6), dbSNP rs2137566100, ClinGen allele CA387744771.
Genomic context (GRCh38, chr13:32,357,747, plus strand): 5'-GATACATGTTTACTTTAAATTGTTTTTCTTTTTTGTGTGTGTTTATTTTGTGTAGCTGTA[T>G]ACGTATGGCGTTTCTAAACATTGCATAAAAATTAACAGCAAAAATGCAGAGTCTTTTCAG-3'

ClinVar aggregate classification (germline): Pathogenic (1 of 4 stars; one submission).

Conditions:
Hereditary breast ovarian cancer syndrome. Also called: Hereditary breast and ovarian cancer; Breast and ovarian cancer; BRCA1- and BRCA2-Associated Hereditary Breast and Ovarian Cancer; Hereditary breast and/or ovarian cancer syndrome; Hereditary breast and ovarian cancer syndrome; Hereditary breast and ovarian cancer syndrome (HBOC). Identifiers: Orphanet 145, MedGen C0677776, MeSH D061325, MONDO:0003582. Disease mechanism: loss of function.

Submission:

Labcorp Genetics (formerly Invitae), Labcorp
Classification: Pathogenic for Hereditary breast ovarian cancer syndrome. Last evaluated: 2022-10-13. Review status: criteria provided, single submitter. Criteria: Invitae Variant Classification Sherloc (09022015). Collection method: clinical testing. Allele origin: germline.
Comment: ClinVar contains an entry for this variant (Variation ID: 1457868). This variant has not been reported in the literature in individuals affected with BRCA2-related conditions. This variant is not present in population databases (gnomAD no frequency). This sequence change creates a premature translational stop signal (p.Tyr2541*) in the BRCA2 gene. It is expected to result in an absent or disrupted protein product. Loss-of-function variants in BRCA2 are known to be pathogenic (PMID: 20104584). For these reasons, this variant has been classified as Pathogenic.

Literature cited by the submitters: PubMed 20104584.